The following is an entry in ClinVar:

NM_000179.3(MSH6):c.3928G>A (p.Glu1310Lys)

Gene: MSH6 (mutS homolog 6; plus strand). Cytogenetic location: 2p16.3.
Variant type: single nucleotide variant.
Coding change: c.3928G>A on transcript NM_000179.3 (MANE Select); coding-DNA position 3928, G replaced by A.
Protein change: p.Glu1310Lys; replaces glutamic acid 1310 with lysine.
Molecular consequence: missense variant.
Genome position (GRCh38, 1-based): chr2:47,806,578, G>A. VCF-style: chr2-47806578-G-A. GRCh37 (hg19) VCF-style: chr2-48033717-G-A.
Other names: c.3538G>A, p.Glu1180Lys (NM_001281492.2); c.3022G>A, p.Glu1008Lys (NM_001281493.2, NM_001281494.2); short protein forms E1310K, E1180K, E1008K.
Identifiers: ClinVar variation 483785 (VCV000483785.21), dbSNP rs1194990135, ClinGen allele CA346761475.
Genomic context (GRCh38, chr2:47,806,578, plus strand): 5'-ATTAAGGGAGCTTGTCCTAAAAGCTATGGCTTTAATGCAGCAAGGCTTGCTAATCTCCCA[G>A]AGGAAGTTATTCAAAAGGGACATAGAAAAGCAAGAGAATTTGAGAAGATGAATCAGTCAC-3'
Protein context (NP_000170.1, residues 1300-1320): FNAARLANLP[Glu1310Lys]EVIQKGHRKA

ClinVar aggregate classification (germline): Conflicting classifications of pathogenicity. Review status: criteria provided, conflicting classifications (1 of 4 stars). 4 submissions from 4 submitters: Uncertain significance (2); Likely benign (1). 1 of the submissions does not count toward it. Last evaluated 2025-04-14.

Conditions:
Hereditary nonpolyposis colorectal neoplasms. Identifiers: MedGen C0009405, MeSH D003123.
Hereditary cancer-predisposing syndrome. Also called: Neoplastic Syndromes, Hereditary; Tumor predisposition; Hereditary Cancer Syndrome; Hereditary neoplastic syndrome. Identifiers: Orphanet 140162, MedGen C0027672, MeSH D009386, MONDO:0015356.
Lynch syndrome 5 (LYNCH5). Also called: Colorectal cancer, hereditary nonpolyposis, type 5; Hereditary non-polyposis colorectal cancer, type 5. Identifiers: Orphanet 144, MedGen C1833477, MONDO:0013710, OMIM 614350. Disease mechanism: loss of function.

Allele frequency attached by ClinVar (database versions not stated): TOPMed below 0.00001; gnomAD exomes 0.00001.
gnomAD v4.1: 3 of 1,613,686 alleles (0.00019%); highest among the groups gnomAD compares: Admixed American, 0.0033%; no homozygotes.

Submissions (4):

Labcorp Genetics (formerly Invitae), Labcorp
Classification: Likely benign for Hereditary nonpolyposis colorectal neoplasms. Last evaluated: 2025-04-14. Review status: criteria provided, single submitter. Criteria: Invitae Variant Classification Sherloc (09022015). Collection method: clinical testing. Allele origin: germline.

Ambry Genetics
Classification: Uncertain significance for Hereditary cancer-predisposing syndrome. Last evaluated: 2024-10-31. Review status: criteria provided, single submitter. Criteria: Ambry Variant Classification Scheme 2023. Collection method: clinical testing. Allele origin: germline.
Comment: The p.E1310K variant (also known as c.3928G>A), located in coding exon 9 of the MSH6 gene, results from a G to A substitution at nucleotide position 3928. The glutamic acid at codon 1310 is replaced by lysine, an amino acid with similar properties. This amino acid position is well conserved in available vertebrate species. In addition, the in silico prediction for this alteration is inconclusive. Since supporting evidence is limited at this time, the clinical significance of this alteration remains unclear.

Color Diagnostics, LLC DBA Color Health
Classification: Uncertain significance for Hereditary cancer-predisposing syndrome. Last evaluated: 2024-03-06. Review status: criteria provided, single submitter. Criteria: ACMG Guidelines, 2015. Collection method: clinical testing. Allele origin: germline.
Comment: This missense variant replaces glutamic acid with lysine at codon 1310 of the MSH6 protein. Computational prediction is inconclusive regarding the impact of this variant on protein structure and function (internally defined REVEL score threshold 0.5 < inconclusive < 0.7, PMID: 27666373). Splice site prediction tools suggest that this variant may not impact RNA splicing. To our knowledge, functional studies have not been performed for this variant. This variant has not been reported in individuals affected with hereditary cancer in the literature. This variant has been identified in 2/250188 chromosomes in the general population by the Genome Aggregation Database (gnomAD). The available evidence is insufficient to determine the role of this variant in disease conclusively. Therefore, this variant is classified as a Variant of Uncertain Significance.

Zotz-Klimas Genetics Lab, MVZ Zotz Klimas
Classification: Uncertain significance for Lynch syndrome 5. Last evaluated: 2023-10-30. Review status: no assertion criteria provided. Collection method: clinical testing. Allele origin: germline. Affected: yes. Not counted in ClinVar's aggregate classification.